The following is an entry in ClinVar:

ClinVar aggregate classification (germline): Conflicting classifications of pathogenicity. Review status: criteria provided, conflicting classifications (1 of 4 stars). 7 submissions from 7 submitters: Uncertain significance (1); Likely benign (6). Last evaluated 2026-02-03.

Conditions:
Hereditary cancer-predisposing syndrome. Also called: Hereditary Cancer Syndrome; Tumor predisposition; Hereditary neoplastic syndrome; Neoplastic Syndromes, Hereditary. Identifiers: Orphanet 140162, MedGen C0027672, MeSH D009386, MONDO:0015356.
Familial adenomatous polyposis 3. Also called: NTHL1-Related Adenomatous Polyposis and Colorectal Cancer; NTHL1-associated polyposis; NTHL1-related attenuated familial adenomatous polyposis; NTHL1 Tumor Syndrome. Identifiers: Orphanet 220460, Orphanet 454840, MedGen C4225157, MONDO:0014630, OMIM 616415.

Allele frequency attached by ClinVar (database versions not stated): gnomAD exomes 0.00010 and 0.00017; gnomAD 0.00011 and 0.00013; TOPMed 0.00013; ESP Exome Variant Server 0.00016; ExAC 0.00019.

Submissions (7):

Labcorp Genetics (formerly Invitae), Labcorp
Classification: Likely benign. Last evaluated: 2026-02-03. Review status: criteria provided, single submitter. Criteria: Invitae Variant Classification Sherloc (09022015). Collection method: clinical testing. Allele origin: germline.

Quest Diagnostics Nichols Institute San Juan Capistrano
Classification: Uncertain significance. Last evaluated: 2025-06-03. Review status: criteria provided, single submitter. Criteria: Quest Diagnostics criteria. Collection method: clinical testing. Allele origin: unknown.
Comment: The NTHL1 c.550-11_550-10del variant has been reported in the published literature in an individual with hereditary gastrointestinal cancer and polyposis (PMID: 31068090 (2019)). The frequency of this variant in the general population (Genome Aggregation Database) is uninformative in the assessment of its pathogenicity. Analysis of this variant using software algorithms for the prediction of the effect of nucleotide changes on splicing yielded predictions that this variant does not affect NTHL1 mRNA splicing. Based on the available information, we are unable to determine the clinical significance of this variant.

Center for Genomic Medicine, Rigshospitalet, Copenhagen University Hospital
Classification: Likely benign. Last evaluated: 2025-03-04. Review status: criteria provided, single submitter. Criteria: ACMG Guidelines, 2015. Collection method: clinical testing. Allele origin: germline.

Blueprint Genetics
Classification: Likely benign. Last evaluated: 2024-11-27. Review status: criteria provided, single submitter. Criteria: ACMG Guidelines, 2015. Collection method: clinical testing. Allele origin: germline.

GeneDx
Classification: Likely benign. Last evaluated: 2023-08-15. Review status: criteria provided, single submitter. Criteria: GeneDx Variant Classification Process June 2021. Collection method: clinical testing. Allele origin: germline. Affected: yes.
Comment: See Variant Classification Assertion Criteria.

Department of Pathology and Laboratory Medicine, Sinai Health System
Classification: Likely benign for Familial adenomatous polyposis 3. Last evaluated: 2022-06-02. Review status: criteria provided, single submitter. Criteria: ACMG Guidelines, 2015. Collection method: clinical testing. Allele origin: germline. Affected: yes.

Sema4
Classification: Likely benign for Hereditary cancer-predisposing syndrome. Last evaluated: 2020-09-21. Review status: criteria provided, single submitter. Criteria: Sema4 Curation Guidelines. Collection method: curation. Allele origin: germline.

Literature cited by the submitters: PubMed 31068090 (cited by Quest Diagnostics Nichols Institute San Juan Capistrano).

NM_002528.7(NTHL1):c.526-11_526-10del

Gene: NTHL1 (nth like DNA glycosylase 1; minus strand). Cytogenetic location: 16p13.3.
Variant type: Deletion.
Coding change: c.526-11_526-10del on transcript NM_002528.7 (MANE Select); 11 bases into the intron before coding-DNA position 526 through 10 bases into the intron before coding-DNA position 526, 2 bases deleted (CT; older notation c.526-11_526-10delCT).
Molecular consequence: intron variant.
Genome position (GRCh38, 1-based): chr16:2,043,736-2,043,737, AG deleted on the plus strand (CT on the coding strand, the reverse complement: NTHL1 is on the minus strand). VCF-style (leftmost placement, unchanged base first): chr16-2043735-CAG-C. GRCh37 (hg19) VCF-style: chr16-2093736-CAG-C.
Other names: c.196-11_196-10del (NM_001318194.2); c.355-11_355-10del (NM_001318193.2); c.526-11_526-10delCT (NM_002528.7); c.526-11_526-10del (LRG_1366t1).
Identifiers: ClinVar variation 514746 (VCV000514746.23), dbSNP rs764393572, ClinGen allele CA7828208.